The following is an entry in ClinVar:

ClinVar aggregate classification (germline): Uncertain significance (1 of 4 stars; one submission).

Conditions:
Hereditary cancer-predisposing syndrome. Also called: Neoplastic Syndromes, Hereditary; Tumor predisposition; Hereditary Cancer Syndrome; Hereditary neoplastic syndrome. Identifiers: Orphanet 140162, MedGen C0027672, MeSH D009386, MONDO:0015356.

Submission:

Ambry Genetics
Classification: Uncertain significance for Hereditary cancer-predisposing syndrome. Last evaluated: 2026-05-08. Review status: criteria provided, single submitter. Criteria: Ambry Variant Classification Scheme 2023. Collection method: clinical testing. Allele origin: germline.
Comment: The c.-2G>C variant is located in the 5' untranslated region (5&rsquo; UTR) of the POLD1 gene. This variant results from a G to C substitution 2 bases upstream from the first translated codon. This nucleotide position is well conserved in available vertebrate species. Based on the available evidence, the clinical significance of this variant remains unclear.

NM_002691.4(POLD1):c.-2G>C

Gene: POLD1 (DNA polymerase delta 1, catalytic subunit; plus strand). Cytogenetic location: 19q13.33.
Variant type: single nucleotide variant.
Coding change: c.-2G>C on transcript NM_002691.4 (MANE Select); 2 bases upstream of the start codon, G replaced by C.
Molecular consequence: 5 prime UTR variant. On other transcripts: non-coding transcript variant (1).
Genome position (GRCh38, 1-based): chr19:50,384,390, G>C. VCF-style: chr19-50384390-G-C. GRCh37 (hg19) VCF-style: chr19-50887647-G-C.
Other names: c.-5G>C (NM_001256849.1, NM_001438210.1); c.-2G>C (NM_001438211.1); c.-147G>C (NM_001438212.1); c.-128G>C (NM_001438213.1).
Identifiers: ClinVar variation 4862194 (VCV004862194.1).